The following is an entry in ClinVar:

ClinVar aggregate classification (germline): Uncertain significance (1 of 4 stars; one submission).

Conditions:
Severe combined immunodeficiency due to IKK2 deficiency. Also called: Immunodeficiency 15; IMMUNODEFICIENCY 15B. Identifiers: Orphanet 397787, MedGen C4747743, MONDO:0014267, OMIM 615592.

Allele frequency attached by ClinVar (database versions not stated): gnomAD exomes below 0.00001; TOPMed below 0.00001; gnomAD 0.00001; ExAC 0.00002.
gnomAD v4.1: 7 of 1,610,384 alleles (0.00043%); highest among the groups gnomAD compares: East Asian, 0.0067%; no homozygotes.

Submission:

Labcorp Genetics (formerly Invitae), Labcorp
Classification: Uncertain significance for Severe combined immunodeficiency due to IKK2 deficiency. Last evaluated: 2025-07-14. Review status: criteria provided, single submitter. Criteria: Invitae Variant Classification Sherloc (09022015). Collection method: clinical testing. Allele origin: germline.
Comment: This sequence change replaces aspartic acid, which is acidic and polar, with asparagine, which is neutral and polar, at codon 543 of the IKBKB protein (p.Asp543Asn). This variant is present in population databases (rs759234043, gnomAD 0.01%). This variant has not been reported in the literature in individuals affected with IKBKB-related conditions. ClinVar contains an entry for this variant (Variation ID: 1945746). Invitae Evidence Modeling of protein sequence and biophysical properties (such as structural, functional, and spatial information, amino acid conservation, physicochemical variation, residue mobility, and thermodynamic stability) indicates that this missense variant is not expected to disrupt IKBKB protein function with a negative predictive value of 95%. In summary, the available evidence is currently insufficient to determine the role of this variant in disease. Therefore, it has been classified as a Variant of Uncertain Significance.

NM_001556.3(IKBKB):c.1627G>A (p.Asp543Asn)

Gene: IKBKB (inhibitor of nuclear factor kappa B kinase subunit beta; plus strand). Cytogenetic location: 8p11.21.
Variant type: single nucleotide variant.
Coding change: c.1627G>A on transcript NM_001556.3 (MANE Select); coding-DNA position 1627, G replaced by A.
Protein change: p.Asp543Asn; replaces aspartic acid 543 with asparagine.
Molecular consequence: missense variant. On other transcripts: non-coding transcript variant (3).
Genome position (GRCh38, 1-based): chr8:42,320,783, G>A. VCF-style: chr8-42320783-G-A. GRCh37 (hg19) VCF-style: chr8-42178301-G-A.
Other names: c.1435G>A, p.Asp479Asn (NM_001190720.3); c.1450G>A, p.Asp484Asn (NM_001242778.2); short protein forms D479N, D484N, D543N.
Identifiers: ClinVar variation 1945746 (VCV001945746.3), dbSNP rs759234043, ClinGen allele CA4732065.